The following is an entry in ClinVar:

ClinVar aggregate classification (germline): Uncertain significance. Review status: criteria provided, multiple submitters, no conflicts (2 of 4 stars). 2 submissions from 2 submitters: Uncertain significance (2). Last evaluated 2024-11-24.

gnomAD v4.1: 1 of 1,596,872 alleles (0.000063%); highest among the groups gnomAD compares: Non-Finnish European, 0.000085%; no homozygotes.

Submissions (2):

Ambry Genetics
Classification: Uncertain significance. Last evaluated: 2024-11-24. Review status: criteria provided, single submitter. Criteria: Ambry Variant Classification Scheme 2023. Collection method: clinical testing. Allele origin: germline.
Comment: The p.T889S variant (also known as c.2665A>T), located in coding exon 13 of the GEN1 gene, results from an A to T substitution at nucleotide position 2665. The threonine at codon 889 is replaced by serine, an amino acid with similar properties. This amino acid position is conserved. In addition, this alteration is predicted to be tolerated by in silico analysis. Based on the available evidence, the clinical significance of this variant remains unclear.

Labcorp Genetics (formerly Invitae), Labcorp
Classification: Uncertain significance. Last evaluated: 2020-07-20. Review status: criteria provided, single submitter. Criteria: Invitae Variant Classification Sherloc (09022015). Collection method: clinical testing. Allele origin: germline.
Comment: In summary, the available evidence is currently insufficient to determine the role of this variant in disease. Therefore, it has been classified as a Variant of Uncertain Significance. Algorithms developed to predict the effect of missense changes on protein structure and function (SIFT, PolyPhen-2, Align-GVGD) all suggest that this variant is likely to be tolerated, but these predictions have not been confirmed by published functional studies and their clinical significance is uncertain. This variant has not been reported in the literature in individuals with GEN1-related conditions. This variant is not present in population databases (ExAC no frequency). This sequence change replaces threonine with serine at codon 889 of the GEN1 protein (p.Thr889Ser). The threonine residue is weakly conserved and there is a small physicochemical difference between threonine and serine.

NM_001130009.3(GEN1):c.2665A>T (p.Thr889Ser)

Gene: GEN1 (GEN1 structure-specific endonuclease; plus strand). Cytogenetic location: 2p24.2.
Variant type: single nucleotide variant.
Coding change: c.2665A>T on transcript NM_001130009.3 (MANE Select); coding-DNA position 2665, A replaced by T.
Protein change: p.Thr889Ser; replaces threonine 889 with serine.
Molecular consequence: missense variant.
Genome position (GRCh38, 1-based): chr2:17,781,877, A>T. VCF-style: chr2-17781877-A-T. GRCh37 (hg19) VCF-style: chr2-17963144-A-T.
Other names: c.2665A>T (NM_001130009.1); c.2665A>T, p.Thr889Ser (NM_182625.5); short protein forms T889S.
Identifiers: ClinVar variation 1040867 (VCV001040867.9), dbSNP rs1672859787, ClinGen allele CA345928559.